The following is an entry in ClinVar:

NC_000023.10:g.(?_107802274)_(107869599_?)dup

Gene: COL4A5 (collagen type IV alpha 5 chain; plus strand). Cytogenetic location: Xq22.3.
Variant type: Duplication.
Identifiers: ClinVar variation 3246310 (VCV003246310.1).

ClinVar aggregate classification (germline): Uncertain significance (1 of 4 stars; one submission).

Submission:

Labcorp Genetics (formerly Invitae), Labcorp
Classification: Uncertain significance. Last evaluated: 2023-05-20. Review status: criteria provided, single submitter. Criteria: Invitae Variant Classification Sherloc (09022015). Collection method: clinical testing. Allele origin: unknown.
Comment: In summary, the available evidence is currently insufficient to determine the role of this variant in disease. Therefore, it has been classified as a Variant of Uncertain Significance. This variant results in a copy number gain of the genomic region encompassing exon(s) 3-36 of the COL4A5 gene. While the exact position of this variant cannot be determined from the data, sub-genic copy number gains are generally in tandem (PMID: 25640679). This variant is predicted to be in-frame, and likely preserves the integrity of the reading frame. This variant has not been reported in the literature in individuals affected with COL4A5-related conditions. Experimental studies and prediction algorithms are not available or were not evaluated, and the functional significance of this variant is currently unknown.

Literature cited by the submitters: PubMed 25640679.